The following is an entry in ClinVar:

ClinVar aggregate classification (germline): Pathogenic/Likely pathogenic. Review status: criteria provided, multiple submitters, no conflicts (2 of 4 stars). 2 submissions from 2 submitters: Pathogenic (1); Likely pathogenic (1). Last evaluated 2024-01-25.

Conditions:
Hereditary cancer-predisposing syndrome. Also called: Neoplastic Syndromes, Hereditary; Tumor predisposition; Hereditary Cancer Syndrome; Hereditary neoplastic syndrome. Identifiers: Orphanet 140162, MedGen C0027672, MeSH D009386, MONDO:0015356.
Aplastic anemia. Identifiers: Orphanet 182040, Orphanet 88, MedGen C0002874, MONDO:0015909, OMIM 609135, HP:0001915.

Submissions (2):

Baylor Genetics
Classification: Likely pathogenic for Aplastic anemia. Last evaluated: 2024-01-25. Review status: criteria provided, single submitter. Criteria: ACMG Guidelines, 2015. Collection method: clinical testing. Allele origin: unknown.

Ambry Genetics
Classification: Pathogenic for Hereditary cancer-predisposing syndrome. Last evaluated: 2020-07-10. Review status: criteria provided, single submitter. Criteria: Ambry Variant Classification Scheme 2023. Collection method: clinical testing. Allele origin: germline.
Comment: The c.414delT pathogenic mutation, located in coding exon 4 of the NBN gene, results from a deletion of one nucleotide at nucleotide position 414, causing a translational frameshift with a predicted alternate stop codon (p.F138Lfs*3). This alteration is expected to result in loss of function by premature protein truncation or nonsense-mediated mRNA decay. As such, this alteration is interpreted as a disease-causing mutation.

NM_002485.5(NBN):c.414del (p.Phe138fs)

Gene: NBN (nibrin; minus strand). Cytogenetic location: 8q21.3.
Variant type: Deletion.
Coding change: c.414del on transcript NM_002485.5 (MANE Select); coding-DNA position 414, one base deleted (T; older notation c.414delT).
Protein change: p.Phe138fs; shifts the reading frame from phenylalanine 138.
Molecular consequence: frameshift variant.
Genome position (GRCh38, 1-based): chr8:89,980,800, A deleted on the plus strand (T on the coding strand, the reverse complement: NBN is on the minus strand); the first of 3 consecutive A bases (chr8:89,980,800-89,980,802); deleting any one gives the same sequence. VCF-style (leftmost placement, unchanged base first): chr8-89980799-TA-T. GRCh37 (hg19) VCF-style: chr8-90993027-TA-T.
Other names: c.168del, p.Phe56fs (NM_001024688.3); c.414delT (NM_002485.4); short protein forms F56fs, F138fs.
Identifiers: ClinVar variation 1738243 (VCV001738243.3), dbSNP rs2488355999, ClinGen allele CA2580079180.